The following is an entry in ClinVar:

NM_019032.6(ADAMTSL4):c.2622_2632del (p.Ala875fs)

Gene: ADAMTSL4 (ADAMTS like 4; plus strand). Cytogenetic location: 1q21.2.
Variant type: Deletion.
Coding change: c.2622_2632del on transcript NM_019032.6 (MANE Select); coding-DNA positions 2622 to 2632, 11 bases deleted (AGCCCTCGGGC).
Protein change: p.Ala875fs; shifts the reading frame from alanine 875.
Molecular consequence: frameshift variant.
Genome position (GRCh38, 1-based): chr1:150,559,024-150,559,034, AGCCCTCGGGC deleted; deleting any 11 consecutive bases within chr1:150,559,020-150,559,034 gives the same sequence; the c. name uses the placement nearest the transcript's 3' end. VCF-style (leftmost placement, unchanged base first): chr1-150559019-GGGGCAGCCCTC-G. GRCh37 (hg19) VCF-style: chr1-150531495-GGGGCAGCCCTC-G.
Other names: c.2505_2515del, p.Ala836fs (NM_001288607.2); c.2691_2701del, p.Ala898fs (NM_001288608.2); c.2622_2632del, p.Ala875fs (NM_001378596.1); short protein forms A836fs, A875fs, A898fs.
Identifiers: ClinVar variation 2748064 (VCV002748064.3), dbSNP rs2526779576, ClinGen allele CA2697554524.
Genomic context (GRCh38, chr1:150,559,019, plus strand): 5'-CAGTGCTCAGCCGAGTGTGGGACGGGAATCCAGCGGCGCTCTGTGGTCTGCCTTGGGAGT[GGGGCAGCCCTC>G]GGGCCAGGCCAGGGGGAAGCAGGAGCAGGAACTGGGCAGAGCTGTCCAACAGGAAGCCGG-3'

ClinVar aggregate classification (germline): Pathogenic (1 of 4 stars; one submission).

Submission:

Labcorp Genetics (formerly Invitae), Labcorp
Classification: Pathogenic. Last evaluated: 2023-08-06. Review status: criteria provided, single submitter. Criteria: Invitae Variant Classification Sherloc (09022015). Collection method: clinical testing. Allele origin: germline.
Comment: For these reasons, this variant has been classified as Pathogenic. This sequence change creates a premature translational stop signal (p.Ala875Argfs*21) in the ADAMTSL4 gene. It is expected to result in an absent or disrupted protein product. Loss-of-function variants in ADAMTSL4 are known to be pathogenic (PMID: 20564469, 28642162). This variant is not present in population databases (gnomAD no frequency). This variant has not been reported in the literature in individuals affected with ADAMTSL4-related conditions.

Literature cited by the submitters: PubMed 20564469; PubMed 28642162.